The following is an entry in ClinVar:

ClinVar aggregate classification (germline): Pathogenic/Likely pathogenic. Review status: criteria provided, multiple submitters, no conflicts (2 of 4 stars). 2 submissions from 2 submitters: Pathogenic (1); Likely pathogenic (1). Last evaluated 2025-08-04.

Conditions:
alpha Thalassemia. Also called: Alpha thalassemia spectrum. Identifiers: Orphanet 846, MedGen C0002312, MONDO:0011399, OMIM 604131.

Submissions (2):

Natera, Inc.
Classification: Likely pathogenic for Alpha thalassemia. Last evaluated: 2025-08-04. Review status: criteria provided, single submitter. Criteria: Natera Variant Classification Schema (03/2026). Collection method: clinical testing. Allele origin: germline.
Comment: The c.323delT variant in HBA2 is a frameshift variant predicted to shift the reading frame beginning at codon 108 and leads to a stop codon 26 codons downstream. This variant is expected to result in nonsense mediated decay, truncation, or a dysfunctional protein product. This variant is rare in the general population with a frequency below the threshold expected for the associated phenotype(s). This variant has been observed in one or more individuals affected with the associated recessive disease, as either homozygous or compound heterozygous with a second variant (PMID: 21417571). Given the available evidence, this variant is classified as Likely Pathogenic.

Quest Diagnostics Nichols Institute San Juan Capistrano
Classification: Pathogenic. Last evaluated: 2018-11-15. Review status: criteria provided, single submitter. Criteria: Quest Diagnostics criteria. Collection method: clinical testing. Allele origin: germline.
Comment: The variant results in a shift of the reading frame, and is therefore predicted to result in the loss of a functional protein. Found in at least one symptomatic patient, and not found in general population data. Occurs in multiple cases with a recessive pathogenic variant in the same gene.

Literature cited by the submitters: PubMed 21417571 (cited by Natera, Inc. and Quest Diagnostics Nichols Institute San Juan Capistrano).

NM_000517.6(HBA2):c.323del (p.Val108fs)

Genes: HBA2 (hemoglobin subunit alpha 2; plus strand), LOC106804612 (hemoglobin subunit alpha 2 recombination region; plus strand). Cytogenetic location: 16p13.3.
Variant type: Deletion.
Coding change: c.323del on transcript NM_000517.6 (MANE Select); coding-DNA position 323, one base deleted (T; older notation c.323delT).
Protein change: p.Val108fs; shifts the reading frame from valine 108.
Molecular consequence: frameshift variant.
Genome position (GRCh38, 1-based): chr16:173,494, T deleted. VCF-style (leftmost placement, unchanged base first): chr16-173493-GT-G. GRCh37 (hg19) VCF-style: chr16-223492-GT-G.
Other names: c.323delT (NM_000517.5); short protein forms V108fs.
Identifiers: ClinVar variation 801172 (VCV000801172.4), dbSNP rs1596570339, ClinGen allele CA915946213.
Genomic context (GRCh38, chr16:173,493, plus strand): 5'-CTGCGGGCCTGGGCCGCACTGACCCTCTTCTCTGCACAGCTCCTAAGCCACTGCCTGCTG[GT>G]GACCCTGGCCGCCCACCTCCCCGCCGAGTTCACCCCTGCGGTGCACGCCTCCCTGGACAA-3'